The following is an entry in ClinVar:

ClinVar aggregate classification (germline): Uncertain significance (1 of 4 stars; one submission).

Conditions:
Arrhythmogenic cardiomyopathy with wooly hair and keratoderma. Also called: Arrhythmogenic cardiomyopathy with woolly hair and keratoderma; PALMOPLANTAR KERATODERMA WITH LEFT VENTRICULAR CARDIOMYOPATHY AND WOOLLY HAIR; Carvajal syndrome; Dilated cardiomyopathy with woolly hair and keratoderma. Identifiers: Orphanet 65282, MedGen C1854063, MONDO:0011581, OMIM 605676.
Arrhythmogenic right ventricular dysplasia 8 (ARVD8). Also called: Arrhythmogenic Right Ventricular Dysplasia/Cardiomyopathy 8; ARRHYTHMOGENIC RIGHT VENTRICULAR DYSPLASIA, FAMILIAL, 8; ARRHYTHMOGENIC RIGHT VENTRICULAR CARDIOMYOPATHY 8. Identifiers: MedGen C1843896, MONDO:0011831, OMIM 607450.

Allele frequency attached by ClinVar (database versions not stated): gnomAD exomes 0.00001.
gnomAD v4.1: 6 of 1,613,578 alleles (0.00037%); highest among the groups gnomAD compares: Non-Finnish European, 0.00051%; no homozygotes.

Submission:

Labcorp Genetics (formerly Invitae), Labcorp
Classification: Uncertain significance for Arrhythmogenic cardiomyopathy with wooly hair and keratoderma; Arrhythmogenic right ventricular dysplasia 8. Last evaluated: 2023-01-06. Review status: criteria provided, single submitter. Criteria: Invitae Variant Classification Sherloc (09022015). Collection method: clinical testing. Allele origin: germline.
Comment: In summary, the available evidence is currently insufficient to determine the role of this variant in disease. Therefore, it has been classified as a Variant of Uncertain Significance. Algorithms developed to predict the effect of missense changes on protein structure and function are either unavailable or do not agree on the potential impact of this missense change (SIFT: "Deleterious"; PolyPhen-2: "Probably Damaging"; Align-GVGD: "Class C0"). This variant has not been reported in the literature in individuals affected with DSP-related conditions. This variant is not present in population databases (gnomAD no frequency). This sequence change replaces alanine, which is neutral and non-polar, with glutamic acid, which is acidic and polar, at codon 1193 of the DSP protein (p.Ala1193Glu).

NM_004415.4(DSP):c.3578C>A (p.Ala1193Glu)

Gene: DSP (desmoplakin; plus strand). Cytogenetic location: 6p24.3.
Variant type: single nucleotide variant.
Coding change: c.3578C>A on transcript NM_004415.4 (MANE Select); coding-DNA position 3578, C replaced by A.
Protein change: p.Ala1193Glu; replaces alanine 1193 with glutamic acid.
Molecular consequence: missense variant.
Genome position (GRCh38, 1-based): chr6:7,579,768, C>A. VCF-style: chr6-7579768-C-A. GRCh37 (hg19) VCF-style: chr6-7580001-C-A.
Other names: c.3578C>A, p.Ala1193Glu (NM_001008844.3, NM_001319034.2); short protein forms A1193E.
Identifiers: ClinVar variation 2942968 (VCV002942968.3), dbSNP rs1759360204, ClinGen allele CA362684379.